The following is an entry in ClinVar:

NM_000214.3(JAG1):c.901G>T (p.Gly301Trp)

Gene: JAG1 (jagged canonical Notch ligand 1; minus strand). Cytogenetic location: 20p12.2.
Variant type: single nucleotide variant.
Coding change: c.901G>T on transcript NM_000214.3 (MANE Select); coding-DNA position 901, G replaced by T.
Protein change: p.Gly301Trp; replaces glycine 301 with tryptophan.
Molecular consequence: missense variant.
Genome position (GRCh38, 1-based): chr20:10,652,236, C>A on the plus strand (G>T on the coding strand, the complement: JAG1 is on the minus strand). VCF-style: chr20-10652236-C-A. GRCh37 (hg19) VCF-style: chr20-10632884-C-A.
Other names: short protein forms G301W.
Identifiers: ClinVar variation 3573404 (VCV003573404.2).

Conditions:
Arteriohepatic dysplasia. Also called: Alagille Syndrome. Identifiers: Orphanet 52, MedGen C0085280, MeSH D016738, MONDO:0007318.

Submission:

Gilbert/Spinner Lab, Children's Hospital of Philadelphia
No classification provided (evidence only). Condition: Alagille syndrome. Review status: no classification provided. Collection method: research. Allele origin: not applicable. Functional consequence: functionally_abnormal.
ClinVar note: "not provided" was previously submitted as the classification for the variant. However, the classification appeared to be based only on an observation of functional data so it was converted to no classification on 2025-07-30.